The following is an entry in ClinVar:

NM_001365999.1(SZT2):c.526C>G (p.Pro176Ala)

Gene: SZT2 (SZT2 subunit of KICSTOR complex; plus strand). Cytogenetic location: 1p34.2.
Variant type: single nucleotide variant.
Coding change: c.526C>G on transcript NM_001365999.1 (MANE Select); coding-DNA position 526, C replaced by G.
Protein change: p.Pro176Ala; replaces proline 176 with alanine.
Molecular consequence: missense variant.
Genome position (GRCh38, 1-based): chr1:43,415,109, C>G. VCF-style: chr1-43415109-C-G. GRCh37 (hg19) VCF-style: chr1-43880780-C-G.
Other names: c.526C>G, p.Pro176Ala (NM_015284.4); short protein forms P176A.
Identifiers: ClinVar variation 1000364 (VCV001000364.9), dbSNP rs750818049, ClinGen allele CA808208.
Genomic context (GRCh38, chr1:43,415,109, plus strand): 5'-GTCCTGTCTCAGTCTTTCCCATGTGCTTCTTAGGTGCTGGTACAGGGCTGCCTCTTGGAC[C>G]CTTCCCAGCGGGAGGTGTTCCTGCAGCAGATATATGAGCAGCTCTGCCTCTTTGAGGATA-3'
Protein context (NP_001352928.1, residues 166-186): QVLVQGCLLD[Pro176Ala]SQREVFLQQI

ClinVar aggregate classification (germline): Uncertain significance. Review status: criteria provided, multiple submitters, no conflicts (2 of 4 stars). 2 submissions from 2 submitters: Uncertain significance (2). Last evaluated 2022-02-23.

Allele frequency attached by ClinVar (database versions not stated): gnomAD 0.00001; TOPMed 0.00001; gnomAD exomes 0.00003 and 0.00012; ExAC 0.00023.
gnomAD v4.1: 65 of 1,597,964 alleles (0.0041%); highest among the groups gnomAD compares: Middle Eastern, 0.016%; no homozygotes.

Submissions (2):

Blueprint Genetics
Classification: Uncertain significance. Last evaluated: 2022-02-23. Review status: criteria provided, single submitter. Criteria: ACMG Guidelines, 2015. Collection method: clinical testing. Allele origin: germline.

Labcorp Genetics (formerly Invitae), Labcorp
Classification: Uncertain significance. Last evaluated: 2021-04-11. Review status: criteria provided, single submitter. Criteria: Invitae Variant Classification Sherloc (09022015). Collection method: clinical testing. Allele origin: germline.
Comment: Algorithms developed to predict the effect of missense changes on protein structure and function are either unavailable or do not agree on the potential impact of this missense change (SIFT: "Tolerated"; PolyPhen-2: "Possibly Damaging"; Align-GVGD: "Class C0"). This variant has not been reported in the literature in individuals with SZT2-related conditions. This variant is present in population databases (rs750818049, ExAC 0.04%). This sequence change replaces proline with alanine at codon 176 of the SZT2 protein (p.Pro176Ala). The proline residue is weakly conserved and there is a small physicochemical difference between proline and alanine. In summary, the available evidence is currently insufficient to determine the role of this variant in disease. Therefore, it has been classified as a Variant of Uncertain Significance.